The following is an entry in ClinVar:

ClinVar aggregate classification (germline): Pathogenic (1 of 4 stars; one submission).

Conditions:
Hereditary nonpolyposis colorectal neoplasms. Identifiers: MedGen C0009405, MeSH D003123.

Submission:

Labcorp Genetics (formerly Invitae), Labcorp
Classification: Pathogenic for Hereditary nonpolyposis colon cancer. Last evaluated: 2018-12-12. Review status: criteria provided, single submitter. Criteria: Invitae Variant Classification Sherloc (09022015). Collection method: clinical testing. Allele origin: germline.
Comment: This variant is a gross deletion of the genomic region encompassing exons 1-9 of the PMS2 gene, which includes the initiator codon. The 5' end of this event is unknown as it extends beyond the assayed region for this gene and therefore may encompass additional genes. The 3' boundary is likely confined to intron 9 of the PMS2 gene. This is expected to result in an absent or disrupted protein product. This variant has not been reported in the literature in individuals with PMS2-related disease. Loss-of-function variants in PMS2 are known to be pathogenic (PMID: 21376568, 24362816). For these reasons, this variant has been classified as Pathogenic.

NC_000007.14:g.(?_5991963)_(6009029_?)del

Genes: PMS2 (PMS1 homolog 2, mismatch repair system component; minus strand), LOC129997916 (ATAC-STARR-seq lymphoblastoid active region 25614; plus strand). Cytogenetic location: 7p22.1.
Variant type: Deletion.
Identifiers: ClinVar variation 583640 (VCV000583640.2).